The following is an entry in ClinVar:

NM_130468.4(CHST14):c.156_166del (p.Ser53fs)

Genes: CHST14 (carbohydrate sulfotransferase 14; plus strand), LOC130056851 (ATAC-STARR-seq lymphoblastoid silent region 6336; plus strand). Cytogenetic location: 15q15.1.
Variant type: Deletion.
Coding change: c.156_166del on transcript NM_130468.4 (MANE Select); coding-DNA positions 156 to 166, 11 bases deleted (CTCCAGCGGGC).
Protein change: p.Ser53fs; shifts the reading frame from serine 53.
Molecular consequence: frameshift variant.
Genome position (GRCh38, 1-based): chr15:40,471,369-40,471,379, CTCCAGCGGGC deleted; deleting any 11 consecutive bases within chr15:40,471,366-40,471,379 gives the same sequence; the c. name uses the placement nearest the transcript's 3' end. VCF-style (leftmost placement, unchanged base first): chr15-40471365-TGGCCTCCAGCG-T. GRCh37 (hg19) VCF-style: chr15-40763564-TGGCCTCCAGCG-T.
Other names: c.156_166delCTCCAGCGGGC (NM_130468.3); short protein forms S53fs.
Identifiers: ClinVar variation 1190749 (VCV001190749.45), dbSNP rs1293915082, ClinGen allele CA617557466.

ClinVar aggregate classification (germline): Pathogenic/Likely pathogenic. Review status: criteria provided, multiple submitters, no conflicts (2 of 4 stars). 3 submissions from 3 submitters: Pathogenic (1); Likely pathogenic (2). Last evaluated 2025-12-06.

Conditions:
Ehlers-Danlos syndrome, musculocontractural type (EDSMC). Also called: Adducted thumb, clubfoot, progressive joint and skin laxity syndrome; ARTHROGRYPOSIS, DISTAL, WITH PECULIAR FACIES AND HYDRONEPHROSIS; DUNDAR SYNDROME; ADDUCTED THUMB-CLUBFOOT SYNDROME. Identifiers: Orphanet 2953, MedGen C1866294, MONDO:0011142.

Submissions (3):

Labcorp Genetics (formerly Invitae), Labcorp
Classification: Pathogenic for Ehlers-Danlos syndrome, musculocontractural type. Last evaluated: 2025-12-06. Review status: criteria provided, single submitter. Criteria: Invitae Variant Classification Sherloc (09022015). Collection method: clinical testing. Allele origin: germline.
Comment: This sequence change creates a premature translational stop signal (p.Ser53Alafs*89) in the CHST14 gene. While this is not anticipated to result in nonsense mediated decay, it is expected to disrupt the last 324 amino acid(s) of the CHST14 protein. This variant is present in population databases (no rsID available, gnomAD 0.007%). This variant has not been reported in the literature in individuals affected with CHST14-related conditions. ClinVar contains an entry for this variant (Variation ID: 1190749). This variant disrupts a region of the CHST14 protein in which other variant(s) (p.Arg213Pro) have been determined to be pathogenic (PMID: 20004762, 26373698). This suggests that this is a clinically significant region of the protein, and that variants that disrupt it are likely to be disease-causing. For these reasons, this variant has been classified as Pathogenic.

GeneDx
Classification: Likely pathogenic. Last evaluated: 2022-02-07. Review status: criteria provided, single submitter. Criteria: GeneDx Variant Classification Process June 2021. Collection method: clinical testing. Allele origin: germline. Affected: yes.
Comment: Has not been previously published as pathogenic or benign to our knowledge; Not observed at a significant frequency in large population cohorts (gnomAD); Frameshift variant predicted to result in protein truncation, as the last 324 amino acids are replaced with 88 different amino acids, and other loss-of-function variants have been reported downstream in the Human Gene Mutation Database (HGMD); Reported in ClinVar but additional evidence is not available (ClinVar Variant ID#1190749)

CeGaT Center for Human Genetics Tuebingen
Classification: Likely pathogenic. Last evaluated: 2021-09-01. Review status: criteria provided, single submitter. Criteria: CeGaT Center For Human Genetics Tuebingen Variant Classification Criteria Version 2. Collection method: clinical testing. Allele origin: germline. Affected: yes. Observed: 1 variant allele.

Literature cited by the submitters: PubMed 20004762 (cited by Labcorp Genetics (formerly Invitae), Labcorp); PubMed 26373698 (cited by Labcorp Genetics (formerly Invitae), Labcorp).